The following is an entry in ClinVar:

NM_000094.4(COL7A1):c.4969C>T (p.Arg1657Cys)

Gene: COL7A1 (collagen type VII alpha 1 chain; minus strand). Cytogenetic location: 3p21.31.
Variant type: single nucleotide variant.
Coding change: c.4969C>T on transcript NM_000094.4 (MANE Select); coding-DNA position 4969, C replaced by T.
Protein change: p.Arg1657Cys; replaces arginine 1657 with cysteine.
Molecular consequence: missense variant.
Genome position (GRCh38, 1-based): chr3:48,580,893, G>A on the plus strand (C>T on the coding strand, the complement: COL7A1 is on the minus strand). VCF-style: chr3-48580893-G-A. GRCh37 (hg19) VCF-style: chr3-48618326-G-A.
Other names: short protein forms R1657C.
Identifiers: ClinVar variation 2419028 (VCV002419028.5), dbSNP rs769443470, ClinGen allele CA2379747.

ClinVar aggregate classification (germline): Uncertain significance (1 of 4 stars; one submission).

Allele frequency attached by ClinVar (database versions not stated): ExAC 0.00001; gnomAD 0.00001.
gnomAD v4.1: 6 of 1,613,868 alleles (0.00037%); highest among the groups gnomAD compares: South Asian, 0.0011%; no homozygotes.

Submission:

Labcorp Genetics (formerly Invitae), Labcorp
Classification: Uncertain significance. Last evaluated: 2024-11-18. Review status: criteria provided, single submitter. Criteria: Invitae Variant Classification Sherloc (09022015). Collection method: clinical testing. Allele origin: germline.
Comment: This sequence change replaces arginine, which is basic and polar, with cysteine, which is neutral and slightly polar, at codon 1657 of the COL7A1 protein (p.Arg1657Cys). This variant is present in population databases (rs769443470, gnomAD 0.01%). This variant has not been reported in the literature in individuals affected with COL7A1-related conditions. ClinVar contains an entry for this variant (Variation ID: 2419028). Invitae Evidence Modeling of protein sequence and biophysical properties (such as structural, functional, and spatial information, amino acid conservation, physicochemical variation, residue mobility, and thermodynamic stability) indicates that this missense variant is expected to disrupt COL7A1 protein function with a positive predictive value of 95%. In summary, the available evidence is currently insufficient to determine the role of this variant in disease. Therefore, it has been classified as a Variant of Uncertain Significance.